The following is an entry in ClinVar:

ClinVar aggregate classification (germline): Uncertain significance (1 of 4 stars; one submission).

Allele frequency attached by ClinVar (database versions not stated): gnomAD 0.00001; TOPMed 0.00003.
gnomAD v4.1: 2 of 1,613,874 alleles (0.00012%); highest among the groups gnomAD compares: African/African-American, 0.0027%; no homozygotes.

Submission:

Labcorp Genetics (formerly Invitae), Labcorp
Classification: Uncertain significance. Last evaluated: 2022-01-03. Review status: criteria provided, single submitter. Criteria: Invitae Variant Classification Sherloc (09022015). Collection method: clinical testing. Allele origin: germline.
Comment: In summary, the available evidence is currently insufficient to determine the role of this variant in disease. Therefore, it has been classified as a Variant of Uncertain Significance. Algorithms developed to predict the effect of missense changes on protein structure and function (SIFT, PolyPhen-2, Align-GVGD) all suggest that this variant is likely to be tolerated. This variant has not been reported in the literature in individuals affected with LPIN1-related conditions. This variant is not present in population databases (gnomAD no frequency). This sequence change replaces lysine, which is basic and polar, with asparagine, which is neutral and polar, at codon 365 of the LPIN1 protein (p.Lys365Asn).

NM_001349206.2(LPIN1):c.1203A>C (p.Lys401Asn)

Gene: LPIN1 (lipin 1; plus strand). Cytogenetic location: 2p25.1.
Variant type: single nucleotide variant.
Coding change: c.1203A>C on transcript NM_001349206.2 (MANE Select); coding-DNA position 1203, A replaced by C.
Protein change: p.Lys401Asn; replaces lysine 401 with asparagine.
Molecular consequence: missense variant. On other transcripts: non-coding transcript variant (1).
Genome position (GRCh38, 1-based): chr2:11,782,446, A>C. VCF-style: chr2-11782446-A-C. GRCh37 (hg19) VCF-style: chr2-11922572-A-C.
Other names: c.1113A>C, p.Lys371Asn (NM_001261427.3); c.1350A>C, p.Lys450Asn (NM_001261428.3); c.1095A>C, p.Lys365Asn (NM_001349199.2, NM_001349200.2, NM_001349201.2 and 1 more transcripts); c.1200A>C, p.Lys400Asn (NM_001349202.2, NM_001349203.2); c.1203A>C, p.Lys401Asn (NM_001349204.2, NM_001349205.2); c.1293A>C, p.Lys431Asn (NM_001349207.2); c.1242A>C, p.Lys414Asn (NM_001349208.2); short protein forms K371N, K414N, K431N, K365N, K401N, K450N, K400N.
Identifiers: ClinVar variation 2188924 (VCV002188924.4), dbSNP rs1002583944, ClinGen allele CA42603745.